The following is an entry in ClinVar:

NM_006231.4(POLE):c.5726G>T (p.Arg1909Leu)

Gene: POLE (DNA polymerase epsilon, catalytic subunit; minus strand). Cytogenetic location: 12q24.33.
Variant type: single nucleotide variant.
Coding change: c.5726G>T on transcript NM_006231.4 (MANE Select); coding-DNA position 5726, G replaced by T.
Protein change: p.Arg1909Leu; replaces arginine 1909 with leucine.
Molecular consequence: missense variant.
Genome position (GRCh38, 1-based): chr12:132,635,977, C>A on the plus strand (G>T on the coding strand, the complement: POLE is on the minus strand). VCF-style: chr12-132635977-C-A. GRCh37 (hg19) VCF-style: chr12-133212563-C-A.
Other names: short protein forms R1909L.
Identifiers: ClinVar variation 3935783 (VCV003935783.1).

ClinVar aggregate classification (germline): Uncertain significance (1 of 4 stars; one submission).

Conditions:
Hereditary cancer-predisposing syndrome. Also called: Tumor predisposition; Hereditary neoplastic syndrome; Hereditary Cancer Syndrome; Neoplastic Syndromes, Hereditary. Identifiers: Orphanet 140162, MedGen C0027672, MeSH D009386, MONDO:0015356.

Submission:

Ambry Genetics
Classification: Uncertain significance for Hereditary cancer-predisposing syndrome. Last evaluated: 2025-06-01. Review status: criteria provided, single submitter. Criteria: Ambry Variant Classification Scheme 2023. Collection method: clinical testing. Allele origin: germline.
Comment: The p.R1909L variant (also known as c.5726G>T), located in coding exon 42 of the POLE gene, results from a G to T substitution at nucleotide position 5726. The arginine at codon 1909 is replaced by leucine, an amino acid with dissimilar properties. This amino acid position is conserved. In addition, the in silico prediction for this alteration is inconclusive. Based on the available evidence, the clinical significance of this variant remains unclear.